The following is an entry in ClinVar:

ClinVar aggregate classification (germline): Pathogenic (1 of 4 stars; one submission).

Submission:

Labcorp Genetics (formerly Invitae), Labcorp
Classification: Pathogenic. Last evaluated: 2023-01-19. Review status: criteria provided, single submitter. Criteria: Invitae Variant Classification Sherloc (09022015). Collection method: clinical testing. Allele origin: unknown.
Comment: For these reasons, this variant has been classified as Pathogenic. This variant disrupts a region of the CTNNB1 protein in which other variant(s) (p.Gly575Arg) have been determined to be pathogenic (PMID: 33350591). This suggests that this is a clinically significant region of the protein, and that variants that disrupt it are likely to be disease-causing. This variant has not been reported in the literature in individuals affected with CTNNB1-related conditions. This variant is a gross deletion of the genomic region encompassing exon(s) 8-15 of the CTNNB1 gene, which includes the termination codon. This deletion extends beyond the assayed region for this gene and therefore may encompass additional genes. While this deletion is not anticipated to lead to nonsense mediated decay, it is expected to alter mRNA translation or result in a truncated protein product.

Literature cited by the submitters: PubMed 33350591.

NC_000003.11:g.(?_41274812)_(41280833_?)del

Gene: CTNNB1 (catenin beta 1; plus strand). Cytogenetic location: 3p22.1.
Variant type: Deletion.
Identifiers: ClinVar variation 3246979 (VCV003246979.1).